The following is an entry in ClinVar:

NC_000017.10:g.(?_56780537)_(56780710_?)del

Gene: RAD51C (RAD51 paralog C; plus strand). Cytogenetic location: 17q22.
Variant type: Deletion.
Identifiers: ClinVar variation 3243079 (VCV003243079.1).

ClinVar aggregate classification (germline): Pathogenic (1 of 4 stars; one submission).

Conditions:
Fanconi anemia complementation group O. Also called: RAD51C-Related Fanconi Anemia. Identifiers: Orphanet 84, MedGen C3150653, MONDO:0013248, OMIM 613390.

Submission:

Labcorp Genetics (formerly Invitae), Labcorp
Classification: Pathogenic for Fanconi anemia complementation group O. Last evaluated: 2024-01-22. Review status: criteria provided, single submitter. Criteria: Invitae Variant Classification Sherloc (09022015). Collection method: clinical testing. Allele origin: unknown.
Comment: This variant is a gross deletion of the genomic region encompassing exon(s) 4 of the RAD51C gene. This deletion is out-of-frame, and is expected to create a premature termination codon and result in an absent or disrupted protein product. Loss-of-function variants in RAD51C are known to be pathogenic (PMID: 20400964, 21990120, 24800917, 29278735). A similar copy number variant has been observed in individual(s) with ovarian cancer (PMID: 33219106). For these reasons, this variant has been classified as Pathogenic.

Literature cited by the submitters: PubMed 20400964; PubMed 21990120; PubMed 24800917; PubMed 29278735; PubMed 33219106.